The following is an entry in ClinVar:

NM_016239.4(MYO15A):c.192C>T (p.His64=)

Gene: MYO15A (myosin XVA; plus strand). Cytogenetic location: 17p11.2.
Variant type: single nucleotide variant.
Coding change: c.192C>T on transcript NM_016239.4 (MANE Select); coding-DNA position 192, C replaced by T.
Protein change: p.His64=; no amino-acid change (histidine 64 retained).
Molecular consequence: synonymous variant.
Genome position (GRCh38, 1-based): chr17:18,118,992, C>T. VCF-style: chr17-18118992-C-T. GRCh37 (hg19) VCF-style: chr17-18022306-C-T.
Identifiers: ClinVar variation 4075588 (VCV004075588.1).
Genomic context (GRCh38, chr17:18,118,992, plus strand): 5'-ACCCAAGATCTCCAAGAAGGGCCAGTTCCGCAGCGCCTCGGCCTTCTTCTGGGGCCTCCA[C>T]ACCGGCCCCCAGAAGACCAAGCGCAAGAGGAAGGCCCGCACCGTGCTCAAGTCCACGTCA-3'
Protein context (NP_057323.3, residues 54-74): RSASAFFWGL[His64=]TGPQKTKRKR

ClinVar aggregate classification (germline): Uncertain significance (1 of 4 stars; one submission).

Submission:

GeneDx
Classification: Uncertain significance. Last evaluated: 2025-02-16. Review status: criteria provided, single submitter. Criteria: GeneDx Variant Classification Process June 2021. Collection method: clinical testing. Allele origin: germline. Affected: yes.
Comment: Not observed at significant frequency in large population cohorts (gnomAD); In silico analysis indicates that this variant does not alter splicing; Has not been previously published as pathogenic or benign to our knowledge